The following is an entry in ClinVar:

ClinVar aggregate classification (germline): Uncertain significance (1 of 4 stars; one submission).

Submission:

GeneDx
Classification: Uncertain significance. Last evaluated: 2025-03-23. Review status: criteria provided, single submitter. Criteria: GeneDx Variant Classification Process June 2021. Collection method: clinical testing. Allele origin: germline. Affected: yes.
Comment: Not observed at significant frequency in large population cohorts (gnomAD); In silico analysis indicates that this variant does not alter splicing; Has not been previously published as pathogenic or benign to our knowledge

NM_014946.4(SPAST):c.567G>A (p.Lys189=)

Gene: SPAST (spastin; plus strand). Cytogenetic location: 2p22.3.
Variant type: single nucleotide variant.
Coding change: c.567G>A on transcript NM_014946.4 (MANE Select); coding-DNA position 567, G replaced by A.
Protein change: p.Lys189=; no amino-acid change (lysine 189 retained).
Molecular consequence: synonymous variant.
Genome position (GRCh38, 1-based): chr2:32,089,586, G>A. VCF-style: chr2-32089586-G-A. GRCh37 (hg19) VCF-style: chr2-32314655-G-A.
Other names: c.564G>A, p.Lys188= (NM_001363823.2, NM_001363875.2); c.567G>A, p.Lys189= (NM_001377959.1, NM_199436.2).
Identifiers: ClinVar variation 4088150 (VCV004088150.1).